The following is an entry in ClinVar:

ClinVar aggregate classification (germline): Uncertain significance (1 of 4 stars; one submission).

Submission:

Labcorp Genetics (formerly Invitae), Labcorp
Classification: Uncertain significance. Last evaluated: 2021-08-03. Review status: criteria provided, single submitter. Criteria: Invitae Variant Classification Sherloc (09022015). Collection method: clinical testing. Allele origin: germline.
Comment: In summary, the available evidence is currently insufficient to determine the role of this variant in disease. Therefore, it has been classified as a Variant of Uncertain Significance. Algorithms developed to predict the effect of missense changes on protein structure and function are either unavailable or do not agree on the potential impact of this missense change (SIFT: "Not Available"; PolyPhen-2: "Probably Damaging"; Align-GVGD: "Not Available"). This variant has not been reported in the literature in individuals affected with ADD3-related conditions. This variant is not present in population databases (ExAC no frequency). This sequence change replaces arginine with leucine at codon 138 of the ADD3 protein (p.Arg138Leu). The arginine residue is highly conserved and there is a moderate physicochemical difference between arginine and leucine.

NM_016824.5(ADD3):c.413G>T (p.Arg138Leu)

Gene: ADD3 (adducin 3; plus strand). Cytogenetic location: 10q25.2.
Variant type: single nucleotide variant.
Coding change: c.413G>T on transcript NM_016824.5 (MANE Select); coding-DNA position 413, G replaced by T.
Protein change: p.Arg138Leu; replaces arginine 138 with leucine.
Molecular consequence: missense variant.
Genome position (GRCh38, 1-based): chr10:110,116,337, G>T. VCF-style: chr10-110116337-G-T. GRCh37 (hg19) VCF-style: chr10-111876095-G-T.
Other names: c.413G>T, p.Arg138Leu (NM_001121.4, NM_001320591.2, NM_001320592.2 and 2 more transcripts); c.179G>T, p.Arg60Leu (NM_001320594.2); short protein forms R138L, R60L.
Identifiers: ClinVar variation 1505379 (VCV001505379.6), dbSNP rs774643422, ClinGen allele CA378366544.